The following is an entry in ClinVar:

NM_020458.4(TTC7A):c.2274G>C (p.Lys758Asn)

Gene: TTC7A (tetratricopeptide repeat domain 7A; plus strand). Cytogenetic location: 2p21.
Variant type: single nucleotide variant.
Coding change: c.2274G>C on transcript NM_020458.4 (MANE Select); coding-DNA position 2274, G replaced by C.
Protein change: p.Lys758Asn; replaces lysine 758 with asparagine.
Molecular consequence: missense variant.
Genome position (GRCh38, 1-based): chr2:47,060,890, G>C. VCF-style: chr2-47060890-G-C. GRCh37 (hg19) VCF-style: chr2-47288029-G-C.
Other names: c.2274G>C, p.Lys758Asn (LRG_1323t1); c.2346G>C, p.Lys782Asn (NM_001288951.2); c.2172G>C, p.Lys724Asn (NM_001288953.2); c.1212G>C, p.Lys404Asn (NM_001288955.2); c.2274G>C (NM_020458.2); short protein forms K724N, K782N, K758N, K404N.
Identifiers: ClinVar variation 663704 (VCV000663704.7), dbSNP rs771994498, ClinGen allele CA1648084.

ClinVar aggregate classification (germline): Uncertain significance. Review status: criteria provided, multiple submitters, no conflicts (2 of 4 stars). 2 submissions from 2 submitters: Uncertain significance (2). Last evaluated 2023-02-23.

Conditions:
Inborn genetic diseases. Identifiers: MedGen C0950123, MeSH D030342.
Multiple gastrointestinal atresias. Also called: Multiple intestinal atresia; FAMILIAL INTESTINAL POLYATRESIA SYNDROME. Identifiers: Orphanet 2300, MedGen C0220744, MONDO:0009465.

Allele frequency attached by ClinVar (database versions not stated): ExAC 0.00002; gnomAD exomes 0.00003; gnomAD 0.00005; TOPMed 0.00005.
gnomAD v4.1: 101 of 1,614,036 alleles (0.0063%); highest among the groups gnomAD compares: Non-Finnish European, 0.0079%; no homozygotes.

Submissions (2):

Ambry Genetics
Classification: Uncertain significance for Inborn genetic diseases. Last evaluated: 2023-02-23. Review status: criteria provided, single submitter. Criteria: Ambry Variant Classification Scheme 2023. Collection method: clinical testing. Allele origin: germline.

Labcorp Genetics (formerly Invitae), Labcorp
Classification: Uncertain significance for Multiple gastrointestinal atresias. Last evaluated: 2021-10-24. Review status: criteria provided, single submitter. Criteria: Invitae Variant Classification Sherloc (09022015). Collection method: clinical testing. Allele origin: germline.
Comment: This sequence change replaces lysine with asparagine at codon 758 of the TTC7A protein (p.Lys758Asn). The lysine residue is weakly conserved and there is a moderate physicochemical difference between lysine and asparagine. This variant is present in population databases (rs771994498, ExAC 0.003%). This variant has not been reported in the literature in individuals affected with TTC7A-related conditions. Algorithms developed to predict the effect of missense changes on protein structure and function (SIFT, PolyPhen-2, Align-GVGD) all suggest that this variant is likely to be tolerated. In summary, the available evidence is currently insufficient to determine the role of this variant in disease. Therefore, it has been classified as a Variant of Uncertain Significance.